The following is an entry in ClinVar:

ClinVar aggregate classification (germline): Uncertain significance (1 of 4 stars; one submission).

Conditions:
Inborn genetic diseases. Identifiers: MedGen C0950123, MeSH D030342.

gnomAD v4.1: 1 of 1,612,910 alleles (0.000062%); highest among the groups gnomAD compares: Non-Finnish European, 0.000085%; no homozygotes.

Submission:

Ambry Genetics
Classification: Uncertain significance for Inborn genetic diseases. Last evaluated: 2025-04-18. Review status: criteria provided, single submitter. Criteria: Ambry Variant Classification Scheme 2023. Collection method: clinical testing. Allele origin: germline.
Comment: The p.T1683A variant (also known as c.5047A>G), located in coding exon 34 of the ANKRD26 gene, results from an A to G substitution at nucleotide position 5047. The threonine at codon 1683 is replaced by alanine, an amino acid with similar properties. This amino acid position is conserved. In addition, this alteration is predicted to be tolerated by in silico analysis. Based on the available evidence, the clinical significance of this variant remains unclear.

NM_014915.3(ANKRD26):c.5047A>G (p.Thr1683Ala)

Gene: ANKRD26 (ankyrin repeat domain containing 26; minus strand). Cytogenetic location: 10p12.1.
Variant type: single nucleotide variant.
Coding change: c.5047A>G on transcript NM_014915.3 (MANE Select); coding-DNA position 5047, A replaced by G.
Protein change: p.Thr1683Ala; replaces threonine 1683 with alanine.
Molecular consequence: missense variant.
Genome position (GRCh38, 1-based): chr10:27,005,676, T>C on the plus strand (A>G on the coding strand, the complement: ANKRD26 is on the minus strand). VCF-style: chr10-27005676-T-C. GRCh37 (hg19) VCF-style: chr10-27294605-T-C.
Other names: c.5044A>G, p.Thr1682Ala (NM_001256053.2); short protein forms T1682A, T1683A.
Identifiers: ClinVar variation 3913778 (VCV003913778.1).